The following is an entry in ClinVar:

NM_002641.4(PIGA):c.1352T>C (p.Ile451Thr)

Gene: PIGA (phosphatidylinositol glycan anchor biosynthesis class A; minus strand). Cytogenetic location: Xp22.2.
Variant type: single nucleotide variant.
Coding change: c.1352T>C on transcript NM_002641.4 (MANE Select); coding-DNA position 1352, T replaced by C.
Protein change: p.Ile451Thr; replaces isoleucine 451 with threonine.
Molecular consequence: missense variant. On other transcripts: non-coding transcript variant (2).
Genome position (GRCh38, 1-based): chrX:15,321,609, A>G on the plus strand (T>C on the coding strand, the complement: PIGA is on the minus strand). VCF-style: chrX-15321609-A-G. GRCh37 (hg19) VCF-style: chrX-15339731-A-G.
Other names: c.650T>C, p.Ile217Thr (NM_020473.3); short protein forms I217T, I451T.
Identifiers: ClinVar variation 1064449 (VCV001064449.11), dbSNP rs2147714706, ClinGen allele CA412334042.

ClinVar aggregate classification (germline): Pathogenic/Likely pathogenic. Review status: criteria provided, multiple submitters, no conflicts (2 of 4 stars). 6 submissions from 6 submitters: Pathogenic (1); Likely pathogenic (4). 1 of the submissions does not count toward it. Last evaluated 2025-12-09.

Conditions:
Multiple congenital anomalies-hypotonia-seizures syndrome 2 (MCAHS2). Also called: EPILEPTIC ENCEPHALOPATHY, EARLY INFANTILE, 20; GLYCOSYLPHOSPHATIDYLINOSITOL BIOSYNTHESIS DEFECT 4. Identifiers: Orphanet 300496, MedGen C3275508, MONDO:0010466, OMIM 300868.
PIGA-related disorder. Also called: PIGA-related condition.

Submissions (6):

PreventionGenetics, part of Exact Sciences
Classification: Likely pathogenic for PIGA-related condition. Last evaluated: 2025-12-09. Review status: criteria provided, single submitter. Criteria: ACMG Guidelines, 2015. Collection method: clinical testing. Allele origin: germline.
Comment: The PIGA c.1352T>C variant is predicted to result in the amino acid substitution p.Ile451Thr. This variant was reported in multiple individuals with multiple congenital anomalies-hypotonia-seizures syndrome (Bayat et al. 2020. PubMed ID: 32452540) and in an individual with dystonia, visual impairment, developmental delay, and seizures (Franquelim et al. 2024. PubMed ID: 38181819). This variant has not been reported in a large population database (gnomAD), indicating this variant is rare. This variant is interpreted as likely pathogenic.

Greenwood Genetic Center Diagnostic Laboratories, Greenwood Genetic Center
Classification: Likely pathogenic for PIGA-related disorder. Last evaluated: 2024-08-12. Review status: criteria provided, single submitter. Criteria: ACMG Guidelines, 2015. Collection method: clinical testing. Allele origin: germline. Affected: yes.
Comment: PS4, PM2, PP3

Labcorp Genetics (formerly Invitae), Labcorp
Classification: Likely pathogenic for Multiple congenital anomalies-hypotonia-seizures syndrome 2. Last evaluated: 2024-01-07. Review status: criteria provided, single submitter. Criteria: Invitae Variant Classification Sherloc (09022015). Collection method: clinical testing. Allele origin: germline.
Comment: This sequence change replaces isoleucine, which is neutral and non-polar, with threonine, which is neutral and polar, at codon 451 of the PIGA protein (p.Ile451Thr). This variant is not present in population databases (gnomAD no frequency). This missense change has been observed in individuals with clinical features of congenital disorder of glycosylation (PMID: 25590979, 32452540; Invitae). ClinVar contains an entry for this variant (Variation ID: 1064449). Advanced modeling of protein sequence and biophysical properties (such as structural, functional, and spatial information, amino acid conservation, physicochemical variation, residue mobility, and thermodynamic stability) has been performed at Invitae for this missense variant, however the output from this modeling did not meet the statistical confidence thresholds required to predict the impact of this variant on PIGA protein function. In summary, the currently available evidence indicates that the variant is pathogenic, but additional data are needed to prove that conclusively. Therefore, this variant has been classified as Likely Pathogenic.

Centre for Inherited Metabolic Diseases, Karolinska University Hospital
Classification: Pathogenic for Multiple congenital anomalies-hypotonia-seizures syndrome 2. Last evaluated: 2021-04-12. Review status: criteria provided, single submitter. Criteria: ACMG Guidelines, 2015. Collection method: clinical testing. Allele origin: germline. Inheritance: X-linked inheritance. Affected: yes. Observed: 1 hemizygote.

GeneDx
Classification: Likely pathogenic. Last evaluated: 2020-10-22. Review status: criteria provided, single submitter. Criteria: GeneDx Variant Classification Process June 2021. Collection method: clinical testing. Allele origin: germline. Affected: yes.
Comment: Not observed in large population cohorts (Lek et al., 2016); In silico analysis supports that this missense variant has a deleterious effect on protein structure/function; This variant is associated with the following publications: (PMID: 32452540, 25590979)

Genesolutions, Medical Genetics Institutes, Ho Chi Minh City, Vietnam
Classification: Uncertain significance for Multiple congenital anomalies-hypotonia-seizures syndrome 2. Last evaluated: 2025-09-24. Review status: flagged submission. Criteria: ACMG Guidelines, 2015. Collection method: clinical testing. Allele origin: germline. Affected: yes. Not counted in ClinVar's aggregate classification.
ClinVar note: Reason: Outlier claim with insufficient supporting evidence

Literature cited by the submitters: PubMed 25590979 (cited by Labcorp Genetics (formerly Invitae), Labcorp); PubMed 32452540 (cited by Labcorp Genetics (formerly Invitae), Labcorp).